The following is an entry in ClinVar:

NM_002180.3(IGHMBP2):c.211C>T (p.Arg71Ter)

Gene: IGHMBP2 (immunoglobulin mu DNA binding protein 2; plus strand). Cytogenetic location: 11q13.3.
Variant type: single nucleotide variant.
Coding change: c.211C>T on transcript NM_002180.3 (MANE Select); coding-DNA position 211, C replaced by T.
Protein change: p.Arg71Ter; replaces arginine 71 with a stop codon.
Molecular consequence: nonsense.
Genome position (GRCh38, 1-based): chr11:68,906,193, C>T. VCF-style: chr11-68906193-C-T. GRCh37 (hg19) VCF-style: chr11-68673661-C-T.
Other names: c.211C>T (NM_002180.2); short protein forms R71*.
Identifiers: ClinVar variation 1451211 (VCV001451211.4), dbSNP rs773543257, ClinGen allele CA6153214.

ClinVar aggregate classification (germline): Pathogenic. Review status: criteria provided, single submitter (1 of 4 stars). 2 submissions from 2 submitters: Pathogenic (1). 1 of the submissions does not count toward it. Last evaluated 2021-04-21.

Conditions:
Charcot-Marie-Tooth disease axonal type 2S. Also called: CHARCOT-MARIE-TOOTH NEUROPATHY, TYPE 2S; CHARCOT-MARIE-TOOTH DISEASE, AXONAL, AUTOSOMAL RECESSIVE, TYPE 2S. Identifiers: Orphanet 443073, MedGen C4015349, MONDO:0014511, OMIM 616155.
Autosomal recessive distal spinal muscular atrophy 1. Also called: NEURONOPATHY, SEVERE INFANTILE AXONAL, WITH RESPIRATORY FAILURE; SEVERE INFANTILE AXONAL NEUROPATHY WITH RESPIRATORY FAILURE; SPINAL MUSCULAR ATROPHY, DIAPHRAGMATIC; Spinal muscular atrophy with respiratory distress 1; NEURONOPATHY, DISTAL HEREDITARY MOTOR, HARDING TYPE VI; NEUROPATHY, DISTAL HEREDITARY MOTOR, AUTOSOMAL RECESSIVE 1. Identifiers: Orphanet 98920, MedGen C1858517, MONDO:0011436, OMIM 604320.
IGHMBP2-related disorder. Also called: IGHMBP2-related disorders; IGHMBP2-related condition.

Allele frequency attached by ClinVar (database versions not stated): TOPMed below 0.00001; gnomAD 0.00001; gnomAD exomes 0.00001.

Submissions (2):

Labcorp Genetics (formerly Invitae), Labcorp
Classification: Pathogenic for Autosomal recessive distal spinal muscular atrophy 1; Charcot-Marie-Tooth disease axonal type 2S. Last evaluated: 2021-04-21. Review status: criteria provided, single submitter. Criteria: Invitae Variant Classification Sherloc (09022015). Collection method: clinical testing. Allele origin: germline.
Comment: This sequence change creates a premature translational stop signal (p.Arg71*) in the IGHMBP2 gene. It is expected to result in an absent or disrupted protein product. Loss-of-function variants in IGHMBP2 are known to be pathogenic (PMID: 14681881). This variant is present in population databases (rs773543257, ExAC 0.01%). This variant has not been reported in the literature in individuals with IGHMBP2-related conditions. Algorithms developed to predict the effect of sequence changes on RNA splicing suggest that this variant may create or strengthen a splice site, but this prediction has not been confirmed by published transcriptional studies. For these reasons, this variant has been classified as Pathogenic.

PreventionGenetics, part of Exact Sciences
Classification: Likely pathogenic for IGHMBP2-related condition. Last evaluated: 2024-06-18. Review status: no assertion criteria provided. Collection method: clinical testing. Allele origin: germline. Not counted in ClinVar's aggregate classification.
Comment: The IGHMBP2 c.211C>T variant is predicted to result in premature protein termination (p.Arg71*). To our knowledge, this variant has not been reported in the literature. This variant is reported in 0.0054% of alleles in individuals of East Asian descent in gnomAD. Nonsense variants in IGHMBP2 are expected to be pathogenic. This variant is classified as pathogenic in ClinVar. This variant is interpreted as likely pathogenic.

Literature cited by the submitters: PubMed 14681881 (cited by Labcorp Genetics (formerly Invitae), Labcorp).